The following is an entry in ClinVar:

NM_020964.3(EPG5):c.1098G>C (p.Lys366Asn)

Gene: EPG5 (ectopic P-granules 5 autophagy tethering factor; minus strand). Cytogenetic location: 18q21.1.
Variant type: single nucleotide variant.
Coding change: c.1098G>C on transcript NM_020964.3 (MANE Select); coding-DNA position 1098, G replaced by C.
Protein change: p.Lys366Asn; replaces lysine 366 with asparagine.
Molecular consequence: missense variant.
Genome position (GRCh38, 1-based): chr18:45,952,554, C>G on the plus strand (G>C on the coding strand, the complement: EPG5 is on the minus strand). VCF-style: chr18-45952554-C-G. GRCh37 (hg19) VCF-style: chr18-43532520-C-G.
Other names: c.1098G>C, p.Lys366Asn (NM_001410858.1, NM_001410859.1); short protein forms K366N.
Identifiers: ClinVar variation 2012887 (VCV002012887.4), dbSNP rs532788286, ClinGen allele CA402350268.

ClinVar aggregate classification (germline): Uncertain significance (1 of 4 stars; one submission).

Conditions:
Vici syndrome (VICIS). Identifiers: Orphanet 1493, MedGen C1855772, MONDO:0009452, OMIM 242840.

gnomAD v4.1: 1 of 1,614,112 alleles (0.000062%); highest among the groups gnomAD compares: Non-Finnish European, 0.000085%; no homozygotes.

Submission:

Labcorp Genetics (formerly Invitae), Labcorp
Classification: Uncertain significance for Vici syndrome. Last evaluated: 2022-07-01. Review status: criteria provided, single submitter. Criteria: Invitae Variant Classification Sherloc (09022015). Collection method: clinical testing. Allele origin: germline.
Comment: This sequence change replaces lysine, which is basic and polar, with asparagine, which is neutral and polar, at codon 366 of the EPG5 protein (p.Lys366Asn). This variant is not present in population databases (gnomAD no frequency). This variant has not been reported in the literature in individuals affected with EPG5-related conditions. Algorithms developed to predict the effect of missense changes on protein structure and function (SIFT, PolyPhen-2, Align-GVGD) all suggest that this variant is likely to be tolerated. In summary, the available evidence is currently insufficient to determine the role of this variant in disease. Therefore, it has been classified as a Variant of Uncertain Significance.